The following is an entry in ClinVar:

NM_006231.4(POLE):c.1316T>C (p.Leu439Pro)

Gene: POLE (DNA polymerase epsilon, catalytic subunit; minus strand). Cytogenetic location: 12q24.33.
Variant type: single nucleotide variant.
Coding change: c.1316T>C on transcript NM_006231.4 (MANE Select); coding-DNA position 1316, T replaced by C.
Protein change: p.Leu439Pro; replaces leucine 439 with proline.
Molecular consequence: missense variant.
Genome position (GRCh38, 1-based): chr12:132,673,618, A>G on the plus strand (T>C on the coding strand, the complement: POLE is on the minus strand). VCF-style: chr12-132673618-A-G. GRCh37 (hg19) VCF-style: chr12-133250204-A-G.
Other names: short protein forms L439P.
Identifiers: ClinVar variation 3901799 (VCV003901799.2).

ClinVar aggregate classification (germline): Uncertain significance. Review status: criteria provided, multiple submitters, no conflicts (2 of 4 stars). 2 submissions from 2 submitters: Uncertain significance (2). Last evaluated 2025-06-24.

Conditions:
Hereditary cancer-predisposing syndrome. Also called: Neoplastic Syndromes, Hereditary; Tumor predisposition; Hereditary Cancer Syndrome; Hereditary neoplastic syndrome. Identifiers: Orphanet 140162, MedGen C0027672, MeSH D009386, MONDO:0015356.

Submissions (2):

Ambry Genetics
Classification: Uncertain significance for Hereditary cancer-predisposing syndrome. Last evaluated: 2025-06-24. Review status: criteria provided, single submitter. Criteria: Ambry Variant Classification Scheme 2023. Collection method: clinical testing. Allele origin: germline.
Comment: The p.L439P variant (also known as c.1316T>C), located in coding exon 13 of the POLE gene, results from a T to C substitution at nucleotide position 1316. The leucine at codon 439 is replaced by proline, an amino acid with similar properties. This amino acid position is highly conserved in available vertebrate species. In addition, the in silico prediction for this alteration is inconclusive. Based on the available evidence, the clinical significance of this variant remains unclear.

GeneDx
Classification: Uncertain significance. Last evaluated: 2024-12-03. Review status: criteria provided, single submitter. Criteria: GeneDx Variant Classification Process June 2021. Collection method: clinical testing. Allele origin: germline. Affected: yes.
Comment: Not observed at significant frequency in large population cohorts (gnomAD); In silico analysis supports that this missense variant has a deleterious effect on protein structure/function; Has not been previously published as pathogenic or benign to our knowledge